The following is an entry in ClinVar:

NM_007294.4(BRCA1):c.1247T>C (p.Leu416Pro)

Gene: BRCA1 (BRCA1 DNA repair associated; minus strand). Cytogenetic location: 17q21.31.
Variant type: single nucleotide variant.
Coding change: c.1247T>C on transcript NM_007294.4 (MANE Select); coding-DNA position 1247, T replaced by C.
Protein change: p.Leu416Pro; replaces leucine 416 with proline.
Molecular consequence: missense variant. On other transcripts: intron variant (137).
Genome position (GRCh38, 1-based): chr17:43,094,284, A>G on the plus strand (T>C on the coding strand, the complement: BRCA1 is on the minus strand). VCF-style: chr17-43094284-A-G. GRCh37 (hg19) VCF-style: chr17-41246301-A-G.
Other names: c.1247T>C, p.Leu416Pro (NM_001407617.1, NM_001407618.1, NM_001407619.1 and 30 more transcripts); c.1244T>C, p.Leu415Pro (NM_001407627.1, NM_001407628.1, NM_001407629.1 and 22 more transcripts); c.1034T>C, p.Leu345Pro (NM_001407571.1, NM_001407853.1, NM_001407894.1 and 9 more transcripts); c.1238T>C, p.Leu413Pro (NM_001407646.1, NM_001407647.1); c.1124T>C, p.Leu375Pro (NM_001407648.1, NM_001407664.1, NM_001407665.1 and 19 more transcripts); c.1121T>C, p.Leu374Pro (NM_001407649.1, NM_001407670.1, NM_001407671.1 and 11 more transcripts); c.1106T>C, p.Leu369Pro (NM_001407739.1, NM_001407750.1, NM_001407751.1 and 29 more transcripts); c.1169T>C, p.Leu390Pro (NM_001407653.1, NM_001407654.1, NM_001407655.1 and 4 more transcripts); and 40 more; short protein forms L120P, L248P, L288P, L289P, L304P, L305P, L327P, L328P.
Identifiers: ClinVar variation 4756462 (VCV004756462.1).

ClinVar aggregate classification (germline): Uncertain significance (1 of 4 stars; one submission).

Conditions:
Hereditary cancer-predisposing syndrome. Also called: Tumor predisposition; Hereditary Cancer Syndrome; Neoplastic Syndromes, Hereditary; Hereditary neoplastic syndrome. Identifiers: Orphanet 140162, MedGen C0027672, MeSH D009386, MONDO:0015356.

Submission:

Color Diagnostics, LLC DBA Color Health
Classification: Uncertain significance for Hereditary cancer-predisposing syndrome. Last evaluated: 2025-09-19. Review status: criteria provided, single submitter. Criteria: ACMG Guidelines, 2015. Collection method: clinical testing. Allele origin: germline.
Comment: This missense variant replaces leucine with proline at codon 416 of the BRCA1 protein. Computational prediction suggests that this variant may not impact protein structure and function. To our knowledge, functional studies have not been reported for this variant. This variant has not been reported in individuals affected with BRCA1-related disorders in the literature. This variant has not been identified in the general population by the Genome Aggregation Database (gnomAD). The available evidence is insufficient to determine the role of this variant in disease conclusively. Therefore, this variant is classified as a Variant of Uncertain Significance.